The following is an entry in ClinVar:

ClinVar aggregate classification (germline): Uncertain significance (1 of 4 stars; one submission).

Submission:

GeneDx
Classification: Uncertain significance. Last evaluated: 2023-06-13. Review status: criteria provided, single submitter. Criteria: GeneDx Variant Classification Process June 2021. Collection method: clinical testing. Allele origin: germline.
Comment: Not observed at significant frequency in large population cohorts (gnomAD); In silico analysis supports that this missense variant has a deleterious effect on protein structure/function; Has not been previously published as pathogenic or benign to our knowledge

NM_006922.4(SCN3A):c.4939G>A (p.Ala1647Thr)

Gene: SCN3A (sodium voltage-gated channel alpha subunit 3; minus strand). Cytogenetic location: 2q24.3.
Variant type: single nucleotide variant.
Coding change: c.4939G>A on transcript NM_006922.4 (MANE Select); coding-DNA position 4939, G replaced by A.
Protein change: p.Ala1647Thr; replaces alanine 1647 with threonine.
Molecular consequence: missense variant.
Genome position (GRCh38, 1-based): chr2:165,091,214, C>T on the plus strand (G>A on the coding strand, the complement: SCN3A is on the minus strand). VCF-style: chr2-165091214-C-T. GRCh37 (hg19) VCF-style: chr2-165947724-C-T.
Other names: c.4792G>A, p.Ala1598Thr (NM_001081676.2, NM_001081677.2); short protein forms A1598T, A1647T.
Identifiers: ClinVar variation 2501954 (VCV002501954.2), dbSNP rs2468041827, ClinGen allele CA349017944.